The following is an entry in ClinVar:

NM_000334.4(SCN4A):c.2920G>A (p.Glu974Lys)

Genes: GH-LCR (growth hormone locus control region; plus strand), SCN4A (sodium voltage-gated channel alpha subunit 4; minus strand). Cytogenetic location: 17q23.3.
Variant type: single nucleotide variant.
Coding change: c.2920G>A on transcript NM_000334.4 (MANE Select); coding-DNA position 2920, G replaced by A.
Protein change: p.Glu974Lys; replaces glutamic acid 974 with lysine.
Molecular consequence: missense variant.
Genome position (GRCh38, 1-based): chr17:63,949,462, C>T on the plus strand (G>A on the coding strand, the complement: SCN4A is on the minus strand). VCF-style: chr17-63949462-C-T. GRCh37 (hg19) VCF-style: chr17-62026822-C-T.
Other names: short protein forms E974K.
Identifiers: ClinVar variation 663372 (VCV000663372.10), dbSNP rs751751228, ClinGen allele CA8709448.

ClinVar aggregate classification (germline): Uncertain significance. Review status: criteria provided, multiple submitters, no conflicts (2 of 4 stars). 2 submissions from 2 submitters: Uncertain significance (2). Last evaluated 2025-06-12.

Conditions:
Hyperkalemic periodic paralysis. Also called: Familial hyperkalemic periodic paralysis; Gamstorp disease. Identifiers: Orphanet 682, MedGen C0238357, MONDO:0008224, OMIM 170500, HP:0007215.

Allele frequency attached by ClinVar (database versions not stated): ExAC 0.00002; gnomAD exomes 0.00002; gnomAD 0.00006 and 0.00007; TOPMed 0.00006.

Submissions (2):

Labcorp Genetics (formerly Invitae), Labcorp
Classification: Uncertain significance for Hyperkalemic periodic paralysis. Last evaluated: 2025-06-12. Review status: criteria provided, single submitter. Criteria: Invitae Variant Classification Sherloc (09022015). Collection method: clinical testing. Allele origin: germline.
Comment: This sequence change replaces glutamic acid, which is acidic and polar, with lysine, which is basic and polar, at codon 974 of the SCN4A protein (p.Glu974Lys). This variant is present in population databases (rs751751228, gnomAD 0.03%). This variant has not been reported in the literature in individuals affected with SCN4A-related conditions. ClinVar contains an entry for this variant (Variation ID: 663372). Invitae Evidence Modeling of protein sequence and biophysical properties (such as structural, functional, and spatial information, amino acid conservation, physicochemical variation, residue mobility, and thermodynamic stability) indicates that this missense variant is not expected to disrupt SCN4A protein function with a negative predictive value of 95%. In summary, the available evidence is currently insufficient to determine the role of this variant in disease. Therefore, it has been classified as a Variant of Uncertain Significance.

Revvity Omics, Revvity
Classification: Uncertain significance. Last evaluated: 2024-09-08. Review status: criteria provided, single submitter. Criteria: ACMG Guidelines, 2015. Collection method: clinical testing. Allele origin: germline.